The following is an entry in ClinVar:

NM_006516.4(SLC2A1):c.75G>A (p.Gln25=)

Gene: SLC2A1 (solute carrier family 2 member 1; minus strand). Cytogenetic location: 1p34.2.
Variant type: single nucleotide variant.
Coding change: c.75G>A on transcript NM_006516.4 (MANE Select); coding-DNA position 75, G replaced by A.
Protein change: p.Gln25=; no amino-acid change (glutamine 25 retained).
Molecular consequence: synonymous variant.
Genome position (GRCh38, 1-based): chr1:42,943,265, C>T on the plus strand (G>A on the coding strand, the complement: SLC2A1 is on the minus strand). VCF-style: chr1-42943265-C-T. GRCh37 (hg19) VCF-style: chr1-43408936-C-T.
Identifiers: ClinVar variation 626019 (VCV000626019.3), dbSNP rs1557651193, ClinGen allele CA417411944.

ClinVar aggregate classification (germline): Uncertain significance (1 of 4 stars; one submission).

Conditions:
Encephalopathy due to GLUT1 deficiency. Also called: Classic Glucose Transporter Type 1 Deficiency Syndrome; GLUCOSE TRANSPORT DEFECT, BLOOD-BRAIN BARRIER; De Vivo disease; Glucose transporter protein syndrome; GLUT1 deficiency syndrome 1; GLUT1 deficiency syndrome 1, infantile onset, severe. Identifiers: Orphanet 71277, MedGen C4551966, MONDO:0011724, OMIM 606777.
Hereditary cryohydrocytosis with reduced stomatin. Also called: Stomatin-deficient cryohydrocytosis with neurologic defects; GLUT1 DEFICIENCY SYNDROME WITH PSEUDOHYPERKALEMIA AND HEMOLYSIS. Identifiers: Orphanet 168577, MedGen C1837206, MONDO:0012143, OMIM 608885.
Dystonia 9 (DYT9). Also called: CHOREOATHETOSIS, KINESIGENIC, WITH EPISODIC ATAXIA AND SPASTICITY. Identifiers: Orphanet 53583, MedGen C1832855, MONDO:0010983, OMIM 601042.
Childhood onset GLUT1 deficiency syndrome 2. Also called: Paroxysmal exercise-induced dystonia; PAROXYSMAL EXERCISE-INDUCED DYSKINESIA WITH OR WITHOUT EPILEPSY AND/OR HEMOLYTIC ANEMIA; PAROXYSMAL EXERTION-INDUCED DYSTONIA WITH OR WITHOUT EPILEPSY AND/OR HEMOLYTIC ANEMIA; PED WITH OR WITHOUT EPILEPSY AND/OR HEMOLYTIC ANEMIA; PxMD-SLC2A1; GLUT1 deficiency syndrome 2. Identifiers: Orphanet 98811, MedGen C1842534, MONDO:0012805, OMIM 612126.
Epilepsy, idiopathic generalized, susceptibility to, 12 (EIG12). Identifiers: MedGen C3553859, MONDO:0013919, OMIM 614847.

Allele frequency attached by ClinVar (database versions not stated): gnomAD exomes below 0.00001; TOPMed below 0.00001.
gnomAD v4.1: 1 of 1,614,044 alleles (0.000062%); highest among the groups gnomAD compares: Admixed American, 0.0017%; no homozygotes.

Submission:

Center for Genomics, Ann and Robert H. Lurie Children's Hospital of Chicago
Classification: Uncertain significance for Dystonia 9; Encephalopathy due to GLUT1 deficiency; Hereditary cryohydrocytosis with reduced stomatin; Epilepsy, idiopathic generalized, susceptibility to, 12; Childhood onset GLUT1 deficiency syndrome 2. Review status: criteria provided, single submitter. Criteria: ACMG Guidelines, 2015. Collection method: clinical testing. Allele origin: germline.
Comment: SLC2A1 NM_006516 exon 2 p.Gln25Gln (c.75G>A): This variant has not been reported in the literature and is not present in large control databases. Evolutionary conservation and computational predictive tools for this variant are limited or unavailable. Of note, this variant is a silent variant and does not change the amino acid, reducing the probability that this variant is disease causing. In summary, data on this variant is insufficient for disease classification. Therefore, the clinical significance of this variant is uncertain